The following is an entry in ClinVar:

NM_032581.4(HYCC1):c.269C>T (p.Ser90Leu)

Gene: HYCC1 (hyccin PI4KA lipid kinase complex subunit 1; minus strand). Cytogenetic location: 7p15.3.
Variant type: single nucleotide variant.
Coding change: c.269C>T on transcript NM_032581.4 (MANE Select); coding-DNA position 269, C replaced by T.
Protein change: p.Ser90Leu; replaces serine 90 with leucine.
Molecular consequence: missense variant.
Genome position (GRCh38, 1-based): chr7:22,978,333, G>A on the plus strand (C>T on the coding strand, the complement: HYCC1 is on the minus strand). VCF-style: chr7-22978333-G-A. GRCh37 (hg19) VCF-style: chr7-23017952-G-A.
Other names: c.269C>T, p.Ser90Leu (NM_001363466.2, NM_001363467.2); short protein forms S90L.
Identifiers: ClinVar variation 2420003 (VCV002420003.5), dbSNP rs1335845674, ClinGen allele CA366976700.

ClinVar aggregate classification (germline): Uncertain significance (1 of 4 stars; one submission).

Conditions:
Hypomyelination and Congenital Cataract (HLD5). Also called: hypomyelinating leukodystrophy 5. Identifiers: Orphanet 85163, MedGen C1864663, MONDO:0012514, OMIM 610532.

Allele frequency attached by ClinVar (database versions not stated): gnomAD exomes below 0.00001; gnomAD 0.00001; TOPMed 0.00002.
gnomAD v4.1: 6 of 1,613,980 alleles (0.00037%); highest among the groups gnomAD compares: Non-Finnish European, 0.00051%; no homozygotes.

Submission:

Labcorp Genetics (formerly Invitae), Labcorp
Classification: Uncertain significance for Hypomyelination and Congenital Cataract. Last evaluated: 2024-10-26. Review status: criteria provided, single submitter. Criteria: Invitae Variant Classification Sherloc (09022015). Collection method: clinical testing. Allele origin: germline.
Comment: This sequence change replaces serine, which is neutral and polar, with leucine, which is neutral and non-polar, at codon 90 of the FAM126A protein (p.Ser90Leu). This variant is present in population databases (no rsID available, gnomAD 0.0009%). This variant has not been reported in the literature in individuals affected with FAM126A-related conditions. ClinVar contains an entry for this variant (Variation ID: 2420003). Invitae Evidence Modeling of protein sequence and biophysical properties (such as structural, functional, and spatial information, amino acid conservation, physicochemical variation, residue mobility, and thermodynamic stability) indicates that this missense variant is not expected to disrupt FAM126A protein function with a negative predictive value of 80%. In summary, the available evidence is currently insufficient to determine the role of this variant in disease. Therefore, it has been classified as a Variant of Uncertain Significance.